The following is an entry in ClinVar:

ClinVar aggregate classification (germline): Uncertain significance. Review status: criteria provided, multiple submitters, no conflicts (2 of 4 stars). 3 submissions from 3 submitters: Uncertain significance (3). Last evaluated 2024-09-30.

Conditions:
Cranioectodermal dysplasia 1 (CED1). Also called: LEVIN SYNDROME I. Identifiers: Orphanet 1515, MedGen C0432235, MONDO:0021093, OMIM 218330.
Inborn genetic diseases. Identifiers: MedGen C0950123, MeSH D030342.

Allele frequency attached by ClinVar (database versions not stated): gnomAD exomes 0.00002; TOPMed 0.00003; ExAC 0.00006.

Submissions (3):

Ambry Genetics
Classification: Uncertain significance for Inborn genetic diseases. Last evaluated: 2024-09-30. Review status: criteria provided, single submitter. Criteria: Ambry Variant Classification Scheme 2023. Collection method: clinical testing. Allele origin: germline.

Labcorp Genetics (formerly Invitae), Labcorp
Classification: Uncertain significance for Cranioectodermal dysplasia 1. Last evaluated: 2022-09-27. Review status: criteria provided, single submitter. Criteria: Invitae Variant Classification Sherloc (09022015). Collection method: clinical testing. Allele origin: germline.
Comment: This sequence change replaces methionine, which is neutral and non-polar, with valine, which is neutral and non-polar, at codon 1257 of the IFT122 protein (p.Met1257Val). This variant is present in population databases (rs768057751, gnomAD 0.04%). This variant has not been reported in the literature in individuals affected with IFT122-related conditions. Advanced modeling of protein sequence and biophysical properties (such as structural, functional, and spatial information, amino acid conservation, physicochemical variation, residue mobility, and thermodynamic stability) performed at Invitae indicates that this missense variant is not expected to disrupt IFT122 protein function. In summary, the available evidence is currently insufficient to determine the role of this variant in disease. Therefore, it has been classified as a Variant of Uncertain Significance.

Revvity Omics, Revvity
Classification: Uncertain significance for Cranioectodermal dysplasia 1. Last evaluated: 2020-11-20. Review status: criteria provided, single submitter. Criteria: ACMG Guidelines, 2015. Collection method: clinical testing. Allele origin: germline.

NM_052989.3(IFT122):c.3616A>G (p.Met1206Val)

Gene: IFT122 (intraflagellar transport 122; plus strand). Cytogenetic location: 3q22.1.
Variant type: single nucleotide variant.
Coding change: c.3616A>G on transcript NM_052989.3 (MANE Select); coding-DNA position 3616, A replaced by G.
Protein change: p.Met1206Val; replaces methionine 1206 with valine.
Molecular consequence: missense variant.
Genome position (GRCh38, 1-based): chr3:129,519,712, A>G. VCF-style: chr3-129519712-A-G. GRCh37 (hg19) VCF-style: chr3-129238555-A-G.
Other names: c.3595A>G, p.Met1199Val (NM_001280541.2); c.3769A>G (NM_052985.2); c.3166A>G, p.Met1056Val (NM_001280545.2); c.2989A>G, p.Met997Val (NM_001280546.2); c.3619A>G, p.Met1207Val (NM_001410808.1); c.3562A>G, p.Met1188Val (NM_001410809.1); c.3442A>G, p.Met1148Val (NM_001410810.1); c.3388A>G, p.Met1130Val (NM_001410811.1); and 6 more; short protein forms M1095V, M1130V, M1257V, M997V, M1147V, M1206V, M1207V, M1096V.
Identifiers: ClinVar variation 2037381 (VCV002037381.5), dbSNP rs768057751, ClinGen allele CA2606976.
Genomic context (GRCh38, chr3:129,519,712, plus strand): 5'-TGGCCCCCACCCCTGAGGTGGCAATACTTCCGCTCACTGCTGCCTGACGCCTCCATTACC[A>G]TGTGCCCCTCCTGCTTCCAGGTAGGTGGCCACCCTGGTAGCTCACATGTGCTTCTCTTGG-3'
Protein context (NP_443715.1, residues 1196-1216): RSLLPDASIT[Met1206Val]CPSCFQMFHS